The following is an entry in ClinVar:

ClinVar aggregate classification (germline): Uncertain significance. Review status: criteria provided, multiple submitters, no conflicts (2 of 4 stars). 4 submissions from 4 submitters: Uncertain significance (4). Last evaluated 2023-07-25.

Conditions:
Inborn genetic diseases. Identifiers: MedGen C0950123, MeSH D030342.

Allele frequency attached by ClinVar (database versions not stated): gnomAD exomes 0.00001 and 0.00007; gnomAD 0.00002; TOPMed 0.00002.

Submissions (4):

Ambry Genetics
Classification: Uncertain significance for Inborn genetic diseases. Last evaluated: 2023-07-25. Review status: criteria provided, single submitter. Criteria: Ambry Variant Classification Scheme 2023. Collection method: clinical testing. Allele origin: germline.

Labcorp Genetics (formerly Invitae), Labcorp
Classification: Uncertain significance. Last evaluated: 2023-07-07. Review status: criteria provided, single submitter. Criteria: Invitae Variant Classification Sherloc (09022015). Collection method: clinical testing. Allele origin: germline.
Comment: This variant has not been reported in the literature in individuals affected with EDN3-related conditions. This sequence change replaces glycine, which is neutral and non-polar, with aspartic acid, which is acidic and polar, at codon 62 of the EDN3 protein (p.Gly62Asp). This variant is present in population databases (no rsID available, gnomAD 0.007%). ClinVar contains an entry for this variant (Variation ID: 452359). An algorithm developed to predict the effect of missense changes on protein structure and function (PolyPhen-2) suggests that this variant is likely to be tolerated. Algorithms developed to predict the effect of sequence changes on RNA splicing suggest that this variant may create or strengthen a splice site. In summary, the available evidence is currently insufficient to determine the role of this variant in disease. Therefore, it has been classified as a Variant of Uncertain Significance.

Blueprint Genetics
Classification: Uncertain significance. Last evaluated: 2021-08-09. Review status: criteria provided, single submitter. Criteria: ACMG Guidelines, 2015. Collection method: clinical testing. Allele origin: germline.

GeneDx
Classification: Uncertain significance. Last evaluated: 2017-10-06. Review status: criteria provided, single submitter. Criteria: GeneDx Variant Classification (06012015). Collection method: clinical testing. Allele origin: germline. Affected: yes.
Comment: The G62D variant has not been published as a pathogenic variant, nor has it been reported as a benign variant to our knowledge. The variant is not observed at a significant frequency in large population cohorts (Lek et al., 2016). G62D is a non-conservative amino acid substitution, which is likely to impact secondary protein structure as these residues differ in polarity, charge, size and/or other properties. However, this substitution occurs at a position that is not conserved, and in silico analysis predicts this variant likely does not alter the protein structure/function. In summary, based on the currently available information, it is unclear whether this variant is a pathogenic variant or a rare benign variant.

NM_207034.3(EDN3):c.185G>A (p.Gly62Asp)

Gene: EDN3 (endothelin 3; plus strand). Cytogenetic location: 20q13.32.
Variant type: single nucleotide variant.
Coding change: c.185G>A on transcript NM_207034.3 (MANE Select); coding-DNA position 185, G replaced by A.
Protein change: p.Gly62Asp; replaces glycine 62 with aspartic acid.
Molecular consequence: missense variant.
Genome position (GRCh38, 1-based): chr20:59,301,542, G>A. VCF-style: chr20-59301542-G-A. GRCh37 (hg19) VCF-style: chr20-57876597-G-A.
Other names: c.185G>A, p.Gly62Asp (NM_001302455.2, NM_001302456.2, NM_207032.3 and 1 more transcripts); short protein forms G62D.
Identifiers: ClinVar variation 452359 (VCV000452359.12), dbSNP rs1012239775, ClinGen allele CA316923808.